The following is an entry in ClinVar:

NM_003701.4(TNFSF11):c.480T>C (p.Leu160=)

Genes: TNFSF11 (TNF superfamily member 11; plus strand), LOC126861753 (P300/CBP strongly-dependent group 1 enhancer GRCh37_chr13:43174688-43175887; plus strand). Cytogenetic location: 13q14.11.
Variant type: single nucleotide variant.
Coding change: c.480T>C on transcript NM_003701.4 (MANE Select); coding-DNA position 480, T replaced by C.
Protein change: p.Leu160=; no amino-acid change (leucine 160 retained).
Molecular consequence: synonymous variant.
Genome position (GRCh38, 1-based): chr13:42,600,929, T>C. VCF-style: chr13-42600929-T-C. GRCh37 (hg19) VCF-style: chr13-43175065-T-C.
Other names: c.261T>C, p.Leu87= (NM_033012.4); c.480T>C (NM_003701.3).
Identifiers: ClinVar variation 1586069 (VCV001586069.11), dbSNP rs148418296, ClinGen allele CA6967239.

ClinVar aggregate classification (germline): Likely benign. Review status: criteria provided, multiple submitters, no conflicts (2 of 4 stars). 3 submissions from 3 submitters: Likely benign (2). 1 of the submissions does not count toward it. Last evaluated 2025-08-01.

Conditions:
TNFSF11-related disorder. Also called: TNFSF11-related condition.

Allele frequency attached by ClinVar (database versions not stated): gnomAD exomes 0.00001 and 0.00003; ExAC 0.00006; gnomAD 0.00009 and 0.00013; TOPMed 0.00012; ESP Exome Variant Server 0.00031.
gnomAD v4.1: 23 of 1,614,040 alleles (0.0014%); highest among the groups gnomAD compares: African/African-American, 0.027%; no homozygotes.

Submissions (3):

Labcorp Genetics (formerly Invitae), Labcorp
Classification: Likely benign. Last evaluated: 2025-08-01. Review status: criteria provided, single submitter. Criteria: Invitae Variant Classification Sherloc (09022015). Collection method: clinical testing. Allele origin: germline.

Blueprint Genetics
Classification: Likely benign. Last evaluated: 2022-09-21. Review status: criteria provided, single submitter. Criteria: ACMG Guidelines, 2015. Collection method: clinical testing. Allele origin: germline.

PreventionGenetics, part of Exact Sciences
Classification: Likely benign for TNFSF11-related condition. Last evaluated: 2020-04-24. Review status: no assertion criteria provided. Collection method: clinical testing. Allele origin: germline. Not counted in ClinVar's aggregate classification.
Comment: This variant is classified as likely benign based on ACMG/AMP sequence variant interpretation guidelines (Richards et al. 2015 PMID: 25741868, with internal and published modifications).